The following is an entry in ClinVar:

NM_007294.4(BRCA1):c.160C>T (p.Gln54Ter)

Gene: BRCA1 (BRCA1 DNA repair associated; minus strand). Cytogenetic location: 17q21.31.
Variant type: single nucleotide variant.
Coding change: c.160C>T on transcript NM_007294.4 (MANE Select); coding-DNA position 160, C replaced by T.
Protein change: p.Gln54Ter; replaces glutamine 54 with a stop codon.
Molecular consequence: nonsense. On other transcripts: non-coding transcript variant (1).
Genome position (GRCh38, 1-based): chr17:43,106,508, G>A on the plus strand (C>T on the coding strand, the complement: BRCA1 is on the minus strand). VCF-style: chr17-43106508-G-A. GRCh37 (hg19) VCF-style: chr17-41258525-G-A.
Other names: c.19C>T, p.Gln7Ter (NM_001408464.1, NM_001408465.1, NM_001408466.1 and 99 more transcripts); c.160C>T, p.Gln54Ter (NM_001408472.1, NM_001408473.1, NM_001408494.1 and 168 more transcripts); c.-29C>T (NM_001408478.1, NM_001408479.1, NM_001408480.1 and 58 more transcripts); short protein forms Q54*, Q7*.
Identifiers: ClinVar variation 54307 (VCV000054307.10), dbSNP rs80356864, ClinGen allele CA001069.
Genomic context (GRCh38, chr17:43,106,508, plus strand): 5'-TTATATACCTTTTGGTTATATCATTCTTACATAAAGGACACTGTGAAGGCCCTTTCTTCT[G>A]GTTGAGAAGTTTCAGCATGCAAAATCTATAAATTATAAAGAAAGAAAGAACAATTTAATT-3'

ClinVar aggregate classification (germline): Pathogenic. Review status: reviewed by expert panel (3 of 4 stars). 5 submissions from 5 submitters: Pathogenic (1). 4 of the submissions do not count toward it. Last evaluated 2016-09-08.

Conditions:
Hereditary cancer-predisposing syndrome. Also called: Tumor predisposition; Neoplastic Syndromes, Hereditary; Hereditary Cancer Syndrome; Hereditary neoplastic syndrome. Identifiers: Orphanet 140162, MedGen C0027672, MeSH D009386, MONDO:0015356.
Breast-ovarian cancer, familial, susceptibility to, 1 (BROVCA1). Also called: OVARIAN CANCER, SUSCEPTIBILITY TO; BRCA1 Hereditary Breast and Ovarian Cancer. Identifiers: Orphanet 145, MedGen C2676676, MONDO:0011450, OMIM 604370. Disease mechanism: loss of function.

Submissions (6):

Evidence-based Network for the Interpretation of Germline Mutant Alleles (ENIGMA)
Classification: Pathogenic for Breast-ovarian cancer, familial, susceptibility to, 1. Last evaluated: 2016-09-08. Review status: reviewed by expert panel. Criteria: ENIGMA BRCA1/2 Classification Criteria (2015). Collection method: curation. Allele origin: germline.
Comment: Variant allele predicted to encode a truncated non-functional protein.

Ambry Genetics
Classification: Pathogenic for Hereditary cancer-predisposing syndrome. Last evaluated: 2025-04-21. Review status: criteria provided, single submitter. Criteria: Ambry Variant Classification Scheme 2023. Collection method: clinical testing. Allele origin: germline. Not counted in ClinVar's aggregate classification.
Comment: The p.Q54* pathogenic mutation (also known as c.160C>T), located in coding exon 3 of the BRCA1 gene, results from a C to T substitution at nucleotide position 160. This changes the amino acid from a glutamine to a stop codon within coding exon 3. This variant is considered to be rare based on population cohorts in the Genome Aggregation Database (gnomAD). This alteration is expected to result in loss of function by premature protein truncation or nonsense-mediated mRNA decay. As such, this alteration is interpreted as a disease-causing mutation.

Consortium of Investigators of Modifiers of BRCA1/2 (CIMBA), c/o University of Cambridge
Classification: Pathogenic for Breast-ovarian cancer, familial, susceptibility to, 1. Last evaluated: 2015-10-02. Review status: criteria provided, single submitter. Criteria: CIMBA Mutation Classification guidelines May 2016. Collection method: clinical testing. Allele origin: germline. Not counted in ClinVar's aggregate classification.

BRCAlab, Lund University
Classification: Pathogenic for Breast-ovarian cancer, familial, susceptibility to, 1. Last evaluated: 2020-03-02. Review status: no assertion criteria provided. Collection method: clinical testing. Allele origin: germline. Affected: yes. Not counted in ClinVar's aggregate classification.

Breast Cancer Information Core (BIC) (BRCA1)
Classification: Pathogenic for Breast-ovarian cancer, familial 1. Last evaluated: 2002-06-20. Review status: no assertion criteria provided. Collection method: clinical testing. Allele origin: germline. Affected: yes. Observed: 1 variant allele. Not counted in ClinVar's aggregate classification.

Brotman Baty Institute, University of Washington
No classification provided (evidence only). Condition: Breast-ovarian cancer, familial 1. Review status: no classification provided. Collection method: in vitro. Allele origin: not applicable. Functional consequence: functionally_abnormal. Not counted in ClinVar's aggregate classification.
ClinVar note: "not provided" was previously submitted as the classification for the variant. However, the classification appeared to be based only on an observation of functional data so it was converted to no classification on 2025-07-30.